The following is an entry in ClinVar:

NM_198271.5(LMOD3):c.1367A>T (p.Asn456Ile)

Gene: LMOD3 (leiomodin 3; minus strand). Cytogenetic location: 3p14.1.
Variant type: single nucleotide variant.
Coding change: c.1367A>T on transcript NM_198271.5 (MANE Select); coding-DNA position 1367, A replaced by T.
Protein change: p.Asn456Ile; replaces asparagine 456 with isoleucine.
Molecular consequence: missense variant.
Genome position (GRCh38, 1-based): chr3:69,118,988, T>A on the plus strand (A>T on the coding strand, the complement: LMOD3 is on the minus strand). VCF-style: chr3-69118988-T-A. GRCh37 (hg19) VCF-style: chr3-69168139-T-A.
Other names: c.1367A>T, p.Asn456Ile (NM_001304418.3); short protein forms N456I.
Identifiers: ClinVar variation 1348178 (VCV001348178.6), dbSNP rs751407704, ClinGen allele CA2488801.
Genomic context (GRCh38, chr3:69,118,988, plus strand): 5'-GGGGCCTGCGATGGCTTTTTCATCATTTCACTGCGTTGACTAAAGGGGACATTTTGGGGG[T>A]TGGGAGGCCGAGGTGGCGGTGGCTGGAAGAATTCCTGCATTCTGGAATCTGGCTTGGGTC-3'
Protein context (NP_938012.2, residues 446-466): FFQPPPPRPP[Asn456Ile]PQNVPFSQRS

ClinVar aggregate classification (germline): Uncertain significance (1 of 4 stars; one submission).

Conditions:
Nemaline myopathy 10 (NEM10). Identifiers: MedGen C4015360, MONDO:0014513, OMIM 616165.

Allele frequency attached by ClinVar (database versions not stated): ExAC 0.00001; gnomAD exomes 0.00001; TOPMed 0.00006; gnomAD 0.00009.

Submission:

Labcorp Genetics (formerly Invitae), Labcorp
Classification: Uncertain significance for Nemaline myopathy 10. Last evaluated: 2021-10-28. Review status: criteria provided, single submitter. Criteria: Invitae Variant Classification Sherloc (09022015). Collection method: clinical testing. Allele origin: germline.
Comment: In summary, the available evidence is currently insufficient to determine the role of this variant in disease. Therefore, it has been classified as a Variant of Uncertain Significance. Algorithms developed to predict the effect of missense changes on protein structure and function (SIFT, PolyPhen-2, Align-GVGD) all suggest that this variant is likely to be tolerated. This variant has not been reported in the literature in individuals affected with LMOD3-related conditions. This variant is present in population databases (rs751407704, gnomAD 0.01%). This sequence change replaces asparagine, which is neutral and polar, with isoleucine, which is neutral and non-polar, at codon 456 of the LMOD3 protein (p.Asn456Ile).